The following is an entry in ClinVar:

NM_015274.3(MAN2B2):c.1899T>A (p.Asp633Glu)

Gene: MAN2B2 (mannosidase alpha class 2B member 2; plus strand). Cytogenetic location: 4p16.1.
Variant type: single nucleotide variant.
Coding change: c.1899T>A on transcript NM_015274.3 (MANE Select); coding-DNA position 1899, T replaced by A.
Protein change: p.Asp633Glu; replaces aspartic acid 633 with glutamic acid.
Molecular consequence: missense variant.
Genome position (GRCh38, 1-based): chr4:6,609,191, T>A. VCF-style: chr4-6609191-T-A. GRCh37 (hg19) VCF-style: chr4-6610918-T-A.
Other names: c.1746T>A, p.Asp582Glu (NM_001292038.2); short protein forms D633E, D582E.
Identifiers: ClinVar variation 4102813 (VCV004102813.2).

ClinVar aggregate classification (germline): Conflicting classifications of pathogenicity. Review status: criteria provided, conflicting classifications (1 of 4 stars). 2 submissions from 2 submitters: Uncertain significance (1); Likely benign (1). Last evaluated 2026-02-11.

gnomAD v4.1: 290 of 1,614,236 alleles (0.018%); highest among the groups gnomAD compares: African/African-American, 0.35%; no homozygotes.

Submissions (2):

Women's Health and Genetics/Laboratory Corporation of America, LabCorp
Classification: Likely benign. Last evaluated: 2026-02-11. Review status: criteria provided, single submitter. Criteria: LabCorp Variant Classification Summary - May 2015. Collection method: clinical testing. Allele origin: germline.
Comment: Variant summary: MAN2B2 c.1899T>A (p.Asp633Glu) results in a conservative amino acid change in the encoded protein sequence. Algorithms developed to predict the effect of missense changes on protein structure and function are either unavailable or do not agree on the potential impact of this missense change. The variant allele was found at a frequency of 0.00025 in 251366 control chromosomes, predominantly at a frequency of 0.0036 within the African or African-American subpopulation in the gnomAD database. The observed variant frequency within African or African-American control individuals in the gnomAD database exceeds the estimated maximal expected allele frequency for disease-causing variants in MAN2B2. To our knowledge, no occurrence of c.1899T>A in individuals affected with MAN2B2-related conditions and no experimental evidence demonstrating its impact on protein function have been reported. ClinVar contains an entry for this variant (Variation ID: 4102813). Based on the evidence outlined above, the variant was classified as likely benign.

Ambry Genetics
Classification: Uncertain significance. Last evaluated: 2025-09-05. Review status: criteria provided, single submitter. Criteria: Ambry Variant Classification Scheme 2023. Collection method: clinical testing. Allele origin: germline.